The following is an entry in ClinVar:

NM_001244008.2(KIF1A):c.2323C>A (p.Leu775Met)

Gene: KIF1A (kinesin family member 1A; minus strand). Cytogenetic location: 2q37.3.
Variant type: single nucleotide variant.
Coding change: c.2323C>A on transcript NM_001244008.2 (MANE Select); coding-DNA position 2323, C replaced by A.
Protein change: p.Leu775Met; replaces leucine 775 with methionine.
Molecular consequence: missense variant.
Genome position (GRCh38, 1-based): chr2:240,760,786, G>T on the plus strand (C>A on the coding strand, the complement: KIF1A is on the minus strand). VCF-style: chr2-240760786-G-T. GRCh37 (hg19) VCF-style: chr2-241700203-G-T.
Other names: c.2323C>A, p.Leu775Met (NM_001320705.2, NM_001330289.2, NM_001379638.1); c.2398C>A, p.Leu800Met (NM_001330290.2, NM_001379631.1, NM_001379634.1 and 2 more transcripts); c.2296C>A, p.Leu766Met (NM_001379632.1, NM_001379633.1, NM_001379636.1 and 10 more transcripts); c.2371C>A, p.Leu791Met (NM_001379637.1, NM_001379648.1); short protein forms L766M, L775M, L791M, L800M.
Identifiers: ClinVar variation 3753708 (VCV003753708.2).

ClinVar aggregate classification (germline): Uncertain significance (1 of 4 stars; one submission).

Conditions:
Neuropathy, hereditary sensory, type 2C. Also called: KIF1A-Related HSAN2 (HSAN2C); Hereditary sensory and autonomic neuropathy type IIC. Identifiers: Orphanet 970, MedGen C3280168, MONDO:0013634, OMIM 614213.
Hereditary spastic paraplegia 30. Identifiers: Orphanet 101010, MedGen C5235139, MONDO:0012476.
Intellectual disability, autosomal dominant 9 (NESCAVS). Also called: KIF1A-Related Neurodevelopmental Disorder; NESCAV SYNDROME. Identifiers: Orphanet 662367, MedGen C5393830, MONDO:0013656, OMIM 614255.

Submission:

Labcorp Genetics (formerly Invitae), Labcorp
Classification: Uncertain significance for Hereditary spastic paraplegia 30; Neuropathy, hereditary sensory, type 2C; Intellectual disability, autosomal dominant 9. Last evaluated: 2024-11-24. Review status: criteria provided, single submitter. Criteria: Invitae Variant Classification Sherloc (09022015). Collection method: clinical testing. Allele origin: germline.
Comment: This sequence change replaces leucine, which is neutral and non-polar, with methionine, which is neutral and non-polar, at codon 766 of the KIF1A protein (p.Leu766Met). This variant is not present in population databases (gnomAD no frequency). This variant has not been reported in the literature in individuals affected with KIF1A-related conditions. Invitae Evidence Modeling of protein sequence and biophysical properties (such as structural, functional, and spatial information, amino acid conservation, physicochemical variation, residue mobility, and thermodynamic stability) has been performed for this missense variant. However, the output from this modeling did not meet the statistical confidence thresholds required to predict the impact of this variant on KIF1A protein function. In summary, the available evidence is currently insufficient to determine the role of this variant in disease. Therefore, it has been classified as a Variant of Uncertain Significance.